The following is an entry in ClinVar:

ClinVar aggregate classification (germline): Benign (1 of 4 stars; one submission).

Conditions:
Cutis laxa with osteodystrophy (ARCL2A). Also called: CUTIS LAXA WITH CONGENITAL DISORDER OF GLYCOSYLATION; Autosomal recessive cutis laxa type 2A; CUTIS LAXA, AUTOSOMAL RECESSIVE, TYPE IIA; Debré-Type Cutis Laxa; CUTIS LAXA WITH BONE DYSTROPHY; CUTIS LAXA WITH GROWTH AND DEVELOPMENTAL DELAY. Identifiers: Orphanet 357058, MedGen C0268355, MONDO:0018163, OMIM 219200. Disease mechanism: loss of function.

Allele frequency attached by ClinVar (database versions not stated): 1000 Genomes Project 0.00958; gnomAD 0.01009 and 0.01080; TOPMed 0.01167; 1000 Genomes Project 30x 0.00906.

Submission:

Illumina Laboratory Services, Illumina
Classification: Benign for Cutis laxa with osteodystrophy. Last evaluated: 2018-01-12. Review status: criteria provided, single submitter. Criteria: ICSL Variant Classification Criteria 13 December 2019. Collection method: clinical testing. Allele origin: germline.
Comment: This variant was observed in the ICSL laboratory as part of a predisposition screen in an ostensibly healthy population. It had not been previously curated by ICSL or reported in the Human Gene Mutation Database (HGMD: prior to June 1st, 2018), and was therefore a candidate for classification through an automated scoring system. Utilizing variant allele frequency, disease prevalence and penetrance estimates, and inheritance mode, an automated score was calculated to assess if this variant is too frequent to cause the disease. Based on the score and internal cut-off values, a variant classified as benign is not then subjected to further curation. The score for this variant resulted in a classification of benign for this disease.

NM_012463.4(ATP6V0A2):c.*2329G>A

Gene: ATP6V0A2 (ATPase H+ transporting V0 subunit a2; plus strand). Cytogenetic location: 12q24.31.
Variant type: single nucleotide variant.
Coding change: c.*2329G>A on transcript NM_012463.4 (MANE Select); 2329 bases downstream of the stop codon, G replaced by A.
Molecular consequence: 3 prime UTR variant.
Genome position (GRCh38, 1-based): chr12:123,760,361, G>A. VCF-style: chr12-123760361-G-A. GRCh37 (hg19) VCF-style: chr12-124244908-G-A.
Identifiers: ClinVar variation 884055 (VCV000884055.4), dbSNP rs113118376, ClinGen allele CA245167468.